The following is an entry in ClinVar:

NM_004168.4(SDHA):c.1586G>C (p.Gly529Ala)

Gene: SDHA (succinate dehydrogenase complex flavoprotein subunit A; plus strand). Cytogenetic location: 5p15.33.
Variant type: single nucleotide variant.
Coding change: c.1586G>C on transcript NM_004168.4 (MANE Select); coding-DNA position 1586, G replaced by C.
Protein change: p.Gly529Ala; replaces glycine 529 with alanine.
Molecular consequence: missense variant. On other transcripts: intron variant (1).
Genome position (GRCh38, 1-based): chr5:251,026, G>C. VCF-style: chr5-251026-G-C. GRCh37 (hg19) VCF-style: chr5-251141-G-C.
Other names: c.1586G>C (NM_004168.2); c.1442G>C, p.Gly481Ala (NM_001294332.2); c.1552-3367G>C (NM_001330758.2); short protein forms G481A, G529A.
Identifiers: ClinVar variation 1371094 (VCV001371094.7), dbSNP rs2126632088, ClinGen allele CA358998479.

ClinVar aggregate classification (germline): Uncertain significance. Review status: criteria provided, multiple submitters, no conflicts (2 of 4 stars). 2 submissions from 2 submitters: Uncertain significance (2). Last evaluated 2025-06-12.

Conditions:
Hereditary cancer-predisposing syndrome. Also called: Tumor predisposition; Hereditary Cancer Syndrome; Hereditary neoplastic syndrome; Neoplastic Syndromes, Hereditary. Identifiers: Orphanet 140162, MedGen C0027672, MeSH D009386, MONDO:0015356.
Mitochondrial complex II deficiency, nuclear type 1. Also called: SUCCINATE CoQ REDUCTASE DEFICIENCY. Identifiers: Orphanet 3208, MedGen C5700310, MONDO:0100294, OMIM 252011.
Pheochromocytoma/paraganglioma syndrome 5. Also called: Paragangliomas 5; SDHA-Related Hereditary Paraganglioma-Pheochromocytoma Syndrome. Identifiers: Orphanet 29072, MedGen C3279992, MONDO:0013602, OMIM 614165.

Submissions (2):

Ambry Genetics
Classification: Uncertain significance for Hereditary cancer-predisposing syndrome. Last evaluated: 2025-06-12. Review status: criteria provided, single submitter. Criteria: Ambry Variant Classification Scheme 2023. Collection method: clinical testing. Allele origin: germline.
Comment: The p.G529A variant (also known as c.1586G>C), located in coding exon 12 of the SDHA gene, results from a G to C substitution at nucleotide position 1586. The glycine at codon 529 is replaced by alanine, an amino acid with similar properties. This amino acid position is conserved. In addition, the in silico prediction for this alteration is inconclusive. Based on the available evidence, the clinical significance of this variant remains unclear.

Labcorp Genetics (formerly Invitae), Labcorp
Classification: Uncertain significance for Pheochromocytoma/paraganglioma syndrome 5; Mitochondrial complex II deficiency, nuclear type 1. Last evaluated: 2022-05-11. Review status: criteria provided, single submitter. Criteria: Invitae Variant Classification Sherloc (09022015). Collection method: clinical testing. Allele origin: germline.
Comment: In summary, the available evidence is currently insufficient to determine the role of this variant in disease. Therefore, it has been classified as a Variant of Uncertain Significance. Advanced modeling of protein sequence and biophysical properties (such as structural, functional, and spatial information, amino acid conservation, physicochemical variation, residue mobility, and thermodynamic stability) performed at Invitae indicates that this missense variant is not expected to disrupt SDHA protein function. This variant has not been reported in the literature in individuals affected with SDHA-related conditions. This variant is not present in population databases (gnomAD no frequency). This sequence change replaces glycine, which is neutral and non-polar, with alanine, which is neutral and non-polar, at codon 529 of the SDHA protein (p.Gly529Ala).